The following is an entry in ClinVar:

ClinVar aggregate classification (germline): Uncertain significance (1 of 4 stars; one submission).

Conditions:
Inborn genetic diseases. Identifiers: MedGen C0950123, MeSH D030342.

gnomAD v4.1: 1 of 1,613,000 alleles (0.000062%); no homozygotes.

Submission:

Ambry Genetics
Classification: Uncertain significance for Inborn genetic diseases. Last evaluated: 2025-05-17. Review status: criteria provided, single submitter. Criteria: Ambry Variant Classification Scheme 2023. Collection method: clinical testing. Allele origin: germline.
Comment: The p.Y383H variant (also known as c.1147T>C), located in coding exon 9 of the KDM1A gene, results from a T to C substitution at nucleotide position 1147. The tyrosine at codon 383 is replaced by histidine, an amino acid with similar properties. This amino acid position is conserved. In addition, the in silico prediction for this alteration is inconclusive. Based on the available evidence, the clinical significance of this variant remains unclear.

NM_001009999.3(KDM1A):c.1147T>C (p.Tyr383His)

Gene: KDM1A (lysine demethylase 1A; plus strand). Cytogenetic location: 1p36.12.
Variant type: single nucleotide variant.
Coding change: c.1147T>C on transcript NM_001009999.3 (MANE Select); coding-DNA position 1147, T replaced by C.
Protein change: p.Tyr383His; replaces tyrosine 383 with histidine.
Molecular consequence: missense variant.
Genome position (GRCh38, 1-based): chr1:23,059,147, T>C. VCF-style: chr1-23059147-T-C. GRCh37 (hg19) VCF-style: chr1-23385640-T-C.
Other names: c.1087T>C, p.Tyr363His (NM_001363654.2, NM_001410763.1, NM_015013.4); c.1147T>C, p.Tyr383His (NM_001410762.1); short protein forms Y363H, Y383H.
Identifiers: ClinVar variation 4042142 (VCV004042142.1).
Genomic context (GRCh38, chr1:23,059,147, plus strand): 5'-GCTGTGGTCAGCAAACAAGTAAATATGGAACTGGCCAAGATCAAGCAAAAATGCCCACTT[T>C]ATGAAGCCAACGGACAAGCTGTAAGTCGAGGACAAACAGAACTTTCAACATTTCTTTGGT-3'
Protein context (NP_001009999.1, residues 373-393): LAKIKQKCPL[Tyr383His]EANGQADTVK